The following is an entry in ClinVar:

ClinVar aggregate classification (germline): Uncertain significance (1 of 4 stars; one submission).

Submission:

GeneDx
Classification: Uncertain significance. Last evaluated: 2019-04-11. Review status: criteria provided, single submitter. Criteria: GeneDx Variant Classification Process June 2021. Collection method: clinical testing. Allele origin: germline. Affected: yes.
Comment: Not observed in large population cohorts (Lek et al., 2016); In silico analysis, which includes protein predictors and evolutionary conservation, supports a deleterious effect; Has not been previously published as pathogenic or benign to our knowledge

NM_001042424.3(NSD2):c.80T>G (p.Ile27Ser)

Gene: NSD2 (nuclear receptor binding SET domain protein 2; plus strand). Cytogenetic location: 4p16.3.
Variant type: single nucleotide variant.
Coding change: c.80T>G on transcript NM_001042424.3 (MANE Select); coding-DNA position 80, T replaced by G.
Protein change: p.Ile27Ser; replaces isoleucine 27 with serine.
Molecular consequence: missense variant.
Genome position (GRCh38, 1-based): chr4:1,900,734, T>G. VCF-style: chr4-1900734-T-G. GRCh37 (hg19) VCF-style: chr4-1902461-T-G.
Other names: c.80T>G, p.Ile27Ser (NM_007331.2, NM_133330.3, NM_133331.3 and 2 more transcripts); short protein forms I27S.
Identifiers: ClinVar variation 1304199 (VCV001304199.2), dbSNP rs2108745544, ClinGen allele CA355989460.